The following is an entry in ClinVar:

NM_052867.4(NALCN):c.2741A>G (p.His914Arg)

Gene: NALCN (sodium leak channel, non-selective; minus strand). Cytogenetic location: 13q33.1.
Variant type: single nucleotide variant.
Coding change: c.2741A>G on transcript NM_052867.4 (MANE Select); coding-DNA position 2741, A replaced by G.
Protein change: p.His914Arg; replaces histidine 914 with arginine.
Molecular consequence: missense variant.
Genome position (GRCh38, 1-based): chr13:101,104,546, T>C on the plus strand (A>G on the coding strand, the complement: NALCN is on the minus strand). VCF-style: chr13-101104546-T-C. GRCh37 (hg19) VCF-style: chr13-101756897-T-C.
Other names: c.2828A>G, p.His943Arg (NM_001350748.2); c.2741A>G, p.His914Arg (NM_001350749.2); c.2654A>G, p.His885Arg (NM_001350750.2, NM_001350751.2); short protein forms H885R, H914R, H943R.
Identifiers: ClinVar variation 4743704 (VCV004743704.1).

ClinVar aggregate classification (germline): Uncertain significance (1 of 4 stars; one submission).

gnomAD v4.1: 3 of 1,613,912 alleles (0.00019%); highest among the groups gnomAD compares: South Asian, 0.0022%; no homozygotes.

Submission:

Labcorp Genetics (formerly Invitae), Labcorp
Classification: Uncertain significance. Last evaluated: 2025-12-25. Review status: criteria provided, single submitter. Criteria: Invitae Variant Classification Sherloc (09022015). Collection method: clinical testing. Allele origin: germline.
Comment: This sequence change replaces histidine, which is basic and polar, with arginine, which is basic and polar, at codon 914 of the NALCN protein (p.His914Arg). This variant is present in population databases (no rsID available, gnomAD 0.003%). This variant has not been reported in the literature in individuals affected with NALCN-related conditions. Invitae Evidence Modeling of protein sequence and biophysical properties (such as structural, functional, and spatial information, amino acid conservation, physicochemical variation, residue mobility, and thermodynamic stability) indicates that this missense variant is not expected to disrupt NALCN protein function with a negative predictive value of 80%. In summary, the available evidence is currently insufficient to determine the role of this variant in disease. Therefore, it has been classified as a Variant of Uncertain Significance.